The following is an entry in ClinVar:

NM_000143.4(FH):c.359T>C (p.Ile120Thr)

Gene: FH (fumarate hydratase; minus strand). Cytogenetic location: 1q43.
Variant type: single nucleotide variant.
Coding change: c.359T>C on transcript NM_000143.4 (MANE Select); coding-DNA position 359, T replaced by C.
Protein change: p.Ile120Thr; replaces isoleucine 120 with threonine.
Molecular consequence: missense variant.
Genome position (GRCh38, 1-based): chr1:241,513,622, A>G on the plus strand (T>C on the coding strand, the complement: FH is on the minus strand). VCF-style: chr1-241513622-A-G. GRCh37 (hg19) VCF-style: chr1-241676922-A-G.
Other names: short protein forms I120T.
Identifiers: ClinVar variation 1733056 (VCV001733056.2), dbSNP rs2527335062, ClinGen allele CA345440520.

ClinVar aggregate classification (germline): Uncertain significance (1 of 4 stars; one submission).

Conditions:
Hereditary cancer-predisposing syndrome. Also called: Neoplastic Syndromes, Hereditary; Tumor predisposition; Hereditary Cancer Syndrome; Hereditary neoplastic syndrome. Identifiers: Orphanet 140162, MedGen C0027672, MeSH D009386, MONDO:0015356.

Submission:

Ambry Genetics
Classification: Uncertain significance for Hereditary cancer-predisposing syndrome. Last evaluated: 2021-07-20. Review status: criteria provided, single submitter. Criteria: Ambry Variant Classification Scheme 2023. Collection method: clinical testing. Allele origin: germline.
Comment: The p.I120T variant (also known as c.359T>C), located in coding exon 3 of the FH gene, results from a T to C substitution at nucleotide position 359. The isoleucine at codon 120 is replaced by threonine, an amino acid with similar properties. This amino acid position is highly conserved in available vertebrate species. In addition, this alteration is predicted to be deleterious by in silico analysis. Since supporting evidence is limited at this time, the clinical significance of this alteration remains unclear.